The following is an entry in ClinVar:

ClinVar aggregate classification (germline): Likely benign (1 of 4 stars; one submission).

Conditions:
Autosomal recessive distal spinal muscular atrophy 1. Also called: HMN VI; NEURONOPATHY, SEVERE INFANTILE AXONAL, WITH RESPIRATORY FAILURE; SEVERE INFANTILE AXONAL NEUROPATHY WITH RESPIRATORY FAILURE; SPINAL MUSCULAR ATROPHY, DIAPHRAGMATIC; Spinal muscular atrophy with respiratory distress 1; NEURONOPATHY, DISTAL HEREDITARY MOTOR, HARDING TYPE VI. Identifiers: Orphanet 98920, MedGen C1858517, MONDO:0011436, OMIM 604320.

Allele frequency attached by ClinVar (database versions not stated): gnomAD 0.00009 and 0.00022; TOPMed 0.00021; 1000 Genomes Project 30x 0.00156; 1000 Genomes Project 0.00180.
gnomAD v4.1: 49 of 200,018 alleles (0.024%); highest among the groups gnomAD compares: East Asian, 0.64%; no homozygotes.

Submission:

Illumina Laboratory Services, Illumina
Classification: Likely benign for Autosomal recessive distal spinal muscular atrophy 1. Last evaluated: 2018-01-13. Review status: criteria provided, single submitter. Criteria: ICSL Variant Classification Criteria 13 December 2019. Collection method: clinical testing. Allele origin: germline.
Comment: This variant was observed in the ICSL laboratory as part of a predisposition screen in an ostensibly healthy population. It had not been previously curated by ICSL or reported in the Human Gene Mutation Database (HGMD: prior to June 1st, 2018), and was therefore a candidate for classification through an automated scoring system. Utilizing variant allele frequency, disease prevalence and penetrance estimates, and inheritance mode, an automated score was calculated to assess if this variant is too frequent to cause the disease. Based on the score and internal cut-off values, a variant classified as likely benign is not then subjected to further curation. The score for this variant resulted in a classification of likely benign for this disease.

NM_002180.3(IGHMBP2):c.*417C>A

Gene: IGHMBP2 (immunoglobulin mu DNA binding protein 2; plus strand). Cytogenetic location: 11q13.3.
Variant type: single nucleotide variant.
Coding change: c.*417C>A on transcript NM_002180.3 (MANE Select); 417 bases downstream of the stop codon, C replaced by A.
Molecular consequence: 3 prime UTR variant.
Genome position (GRCh38, 1-based): chr11:68,940,148, C>A. VCF-style: chr11-68940148-C-A. GRCh37 (hg19) VCF-style: chr11-68707616-C-A.
Identifiers: ClinVar variation 305870 (VCV000305870.5), dbSNP rs117542830, ClinGen allele CA10639975.